The following is an entry in ClinVar:

NM_001134363.3(RBM20):c.2550+12T>C

Gene: RBM20 (RNA binding motif protein 20; plus strand). Cytogenetic location: 10q25.2.
Variant type: single nucleotide variant.
Coding change: c.2550+12T>C on transcript NM_001134363.3 (MANE Select); 12 bases into the intron after coding-DNA position 2550, T replaced by C.
Molecular consequence: intron variant.
Genome position (GRCh38, 1-based): chr10:110,812,959, T>C. VCF-style: chr10-110812959-T-C. GRCh37 (hg19) VCF-style: chr10-112572717-T-C.
Other names: c.2550+12T>C (LRG_382t1).
Identifiers: ClinVar variation 382528 (VCV000382528.9), dbSNP rs747168352, ClinGen allele CA16605975.

ClinVar aggregate classification (germline): Likely benign. Review status: criteria provided, multiple submitters, no conflicts (2 of 4 stars). 3 submissions from 3 submitters: Likely benign (3). Last evaluated 2025-11-20.

Conditions:
Dilated cardiomyopathy 1DD (CMD1DD). Identifiers: Orphanet 154, MedGen C2750995, MONDO:0013168, OMIM 613172.

Allele frequency attached by ClinVar (database versions not stated): gnomAD 0.00002; TOPMed 0.00002; gnomAD exomes 0.00004.
gnomAD v4.1: 119 of 1,439,780 alleles (0.0083%); highest among the groups gnomAD compares: Non-Finnish European, 0.011%; no homozygotes.

Submissions (3):

Labcorp Genetics (formerly Invitae), Labcorp
Classification: Likely benign for Dilated cardiomyopathy 1DD. Last evaluated: 2025-11-20. Review status: criteria provided, single submitter. Criteria: Invitae Variant Classification Sherloc (09022015). Collection method: clinical testing. Allele origin: germline.

Blueprint Genetics
Classification: Likely benign. Last evaluated: 2022-06-13. Review status: criteria provided, single submitter. Criteria: ACMG Guidelines, 2015. Collection method: clinical testing. Allele origin: germline.

GeneDx
Classification: Likely benign. Last evaluated: 2015-12-22. Review status: criteria provided, single submitter. Criteria: GeneDx Variant Classification (06012015). Collection method: clinical testing. Allele origin: germline. Affected: yes.
Comment: This variant is considered likely benign or benign based on one or more of the following criteria: it is a conservative change, it occurs at a poorly conserved position in the protein, it is predicted to be benign by multiple in silico algorithms, and/or has population frequency not consistent with disease.